The following is an entry in ClinVar:

NM_006269.2(RP1):c.4242_4243del (p.His1414fs)

Gene: RP1 (RP1 axonemal microtubule associated; plus strand). Cytogenetic location: 8q12.1.
Variant type: Deletion.
Coding change: c.4242_4243del on transcript NM_006269.2 (MANE Select); coding-DNA positions 4242 to 4243, 2 bases deleted (TA; older notation c.4242_4243delTA).
Protein change: p.His1414fs; shifts the reading frame from histidine 1414.
Molecular consequence: frameshift variant. On other transcripts: intron variant (1).
Genome position (GRCh38, 1-based): chr8:54,628,124-54,628,125, TA deleted; deleting any 2 consecutive bases within chr8:54,628,123-54,628,125 gives the same sequence; the c. name uses the placement nearest the transcript's 3' end. VCF-style (leftmost placement, unchanged base first): chr8-54628122-CAT-C. GRCh37 (hg19) VCF-style: chr8-55540682-CAT-C.
Other names: c.787+5836_787+5837del (NM_001375654.1); short protein forms H1414fs.
Identifiers: ClinVar variation 979009 (VCV000979009.3), dbSNP rs767436678, ClinGen allele CA4751825.

ClinVar aggregate classification (germline): Pathogenic. Review status: criteria provided, multiple submitters, no conflicts (2 of 4 stars). 3 submissions from 3 submitters: Pathogenic (2). 1 of the submissions does not count toward it. Last evaluated 2023-08-03.

Conditions:
RP1-related disorder. Also called: RP1-related condition.
Autosomal recessive retinitis pigmentosa. Identifiers: MedGen C0339526.

Submissions (3):

Blueprint Genetics
Classification: Pathogenic for RP1-related disorders. Last evaluated: 2023-08-03. Review status: criteria provided, single submitter. Criteria: ACMG Guidelines, 2015. Collection method: clinical testing. Allele origin: germline. Affected: yes. Observed: 3 variant alleles.

Labcorp Genetics (formerly Invitae), Labcorp
Classification: Pathogenic. Last evaluated: 2022-11-30. Review status: criteria provided, single submitter. Criteria: Invitae Variant Classification Sherloc (09022015). Collection method: clinical testing. Allele origin: germline.
Comment: For these reasons, this variant has been classified as Pathogenic. This variant disrupts the C-terminus of the RP1 protein. Many variants that disrupt this region have been reported in individuals with either autosomal dominant or autosomal recessive retinitis pigmentosa (PMID: 11527933, 19933189, 29425069, 30027431, 33681214). Therefore, variants that disrupt this region are expected to be disease-causing. ClinVar contains an entry for this variant (Variation ID: 979009). This variant is also known as c.4241_4242del. This premature translational stop signal has been observed in individual(s) with autosomal recessive RP1-related conditions (PMID: 22334370, 24265693, 30913292). In at least one individual the data is consistent with being in trans (on the opposite chromosome) from a pathogenic variant. It has also been observed to segregate with disease in related individuals. This variant is present in population databases (rs767436678, gnomAD 0.0009%). This sequence change creates a premature translational stop signal (p.His1414Glnfs*5) in the RP1 gene. While this is not anticipated to result in nonsense mediated decay, it is expected to disrupt the last 743 amino acid(s) of the RP1 protein.

Faculty of Health Sciences, Beirut Arab University
Classification: Pathogenic for Autosomal recessive Retinitis Pigmentosa. Last evaluated: 2012-10-26. Review status: no assertion criteria provided. Collection method: literature only. Allele origin: germline. Affected: yes. Observed: 5 variant alleles. Not counted in ClinVar's aggregate classification.

Literature cited by the submitters: PubMed 11527933 (cited by Labcorp Genetics (formerly Invitae), Labcorp); PubMed 19933189 (cited by Labcorp Genetics (formerly Invitae), Labcorp); PubMed 29425069 (cited by Labcorp Genetics (formerly Invitae), Labcorp); PubMed 30027431 (cited by Labcorp Genetics (formerly Invitae), Labcorp); PubMed 33681214 (cited by Labcorp Genetics (formerly Invitae), Labcorp); PubMed 22334370 (cited by Labcorp Genetics (formerly Invitae), Labcorp); PubMed 24265693 (cited by Labcorp Genetics (formerly Invitae), Labcorp); PubMed 30913292 (cited by Labcorp Genetics (formerly Invitae), Labcorp); PubMed 23105016 (cited by Faculty of Health Sciences, Beirut Arab University).